The following is an entry in ClinVar:

ClinVar aggregate classification (germline): Conflicting classifications of pathogenicity. Review status: criteria provided, conflicting classifications (1 of 4 stars). 9 submissions from 9 submitters: Uncertain significance (3); Likely benign (2). 4 of the submissions do not count toward it. Last evaluated 2026-04-29.

Conditions:
Hereditary cancer-predisposing syndrome. Also called: Hereditary Cancer Syndrome; Hereditary neoplastic syndrome; Neoplastic Syndromes, Hereditary; Tumor predisposition. Identifiers: Orphanet 140162, MedGen C0027672, MeSH D009386, MONDO:0015356.
Hereditary breast ovarian cancer syndrome. Also called: BRCA1- and BRCA2-Associated Hereditary Breast and Ovarian Cancer; Hereditary breast and ovarian cancer syndrome; Hereditary breast and ovarian cancer syndrome (HBOC); Breast and ovarian cancer; Hereditary breast and/or ovarian cancer syndrome; Hereditary breast and ovarian cancer. Identifiers: Orphanet 145, MedGen C0677776, MeSH D061325, MONDO:0003582. Disease mechanism: loss of function.
Breast-ovarian cancer, familial, susceptibility to, 1 (BROVCA1). Also called: BRCA1 Hereditary Breast and Ovarian Cancer; OVARIAN CANCER, SUSCEPTIBILITY TO. Identifiers: Orphanet 145, MedGen C2676676, MONDO:0011450, OMIM 604370. Disease mechanism: loss of function.

Allele frequency attached by ClinVar (database versions not stated): gnomAD exomes 0.00002; ExAC 0.00004; ESP Exome Variant Server 0.00008.
gnomAD v4.1: 4 of 1,613,630 alleles (0.00025%); highest among the groups gnomAD compares: Non-Finnish European, 0.00034%; no homozygotes.

Submissions (9):

Women's Health and Genetics/Laboratory Corporation of America, LabCorp
Classification: Likely benign. Last evaluated: 2026-04-29. Review status: criteria provided, single submitter. Criteria: LabCorp Variant Classification Summary - May 2015. Collection method: clinical testing. Allele origin: germline.
Comment: Variant summary: BRCA1 c.4054G>A (p.Glu1352Lys) results in a conservative amino acid change in the encoded protein sequence. Algorithms developed to predict the effect of missense changes on protein structure and function are either unavailable or do not agree on the potential impact of this missense change. The variant allele was found at a frequency of 2.4e-05 in 251066 control chromosomes. The available data on variant occurrences in the general population are insufficient to allow any conclusion about variant significance. c.4054G>A has been observed in individuals affected with breast and/or ovarian cancer or suspected of Hereditary Breast And Ovarian Cancer Syndrome (HBOC) based on a personal and/or family history of HBOC-related cancers (e.g. Azzolini_2016, Monne_2007, Zuntini_2018, Santonocito_2020, Fanale_2020, Shao_2020). These reports do not provide unequivocal conclusions about association of the variant with Hereditary Breast And Ovarian Cancer Syndrome. Experimental studies evaluating an impact on protein function found the variant did not substantially impact activity versus the wildtype in transcript activation assays (Woods_2016) and that it was non-damaging in a homology-directed DNA repair assay performed in mouse Brca1-deficient embryonic stem cells (Bouwman_2020). HDR assays qualify as a recognized gold standard on the basis of updated guidance provided by the ClinGen Sequence Variant Interpretation (SVI) working group. The following publications have been ascertained in the context of this evaluation (PMID: 27062684, 32546644, 32854451, 17216544, 32438681, 31742824, 28781887, 30254663). ClinVar contains an entry for this variant (Variation ID: 55089). Based on the evidence outlined above, the variant was classified as likely benign.

Ambry Genetics
Classification: Uncertain significance for Hereditary cancer-predisposing syndrome. Last evaluated: 2025-08-21. Review status: criteria provided, single submitter. Criteria: Ambry Variant Classification Scheme 2023. Collection method: clinical testing. Allele origin: germline.
Comment: The p.E1352K variant (also known as c.4054G>A), located in coding exon 9 of the BRCA1 gene, results from a G to A substitution at nucleotide position 4054. The glutamic acid at codon 1352 is replaced by lysine, an amino acid with similar properties. In one study of breast-ovarian cancer families in Sardinia, this variant was observed in at least one family (Palomba G et al. BMC Cancer 2009 ; 9:245). This alteration was also detected in 1/1854 high-risk breast and/or ovarian cancer families in one study (Azzollini J et al. Eur. J. Intern. Med., 2016 Jul;32:65-71) and in 1/1045 patients with breast and/or ovarian cancer in another study (Zuntini R et al. Front Genet, 2018 Sep;9:378). In another study that used functional data combined with a model to predict the likelihood of pathogenicity, this alteration was classified as a variant of uncertain significance (Woods NT et al. NPJ Genom Med, 2016 Mar;1:). This amino acid position is not well conserved in available vertebrate species. In addition, the in silico prediction for this alteration is inconclusive. Based on the available evidence, the clinical significance of this variant remains unclear.

Labcorp Genetics (formerly Invitae), Labcorp
Classification: Uncertain significance for Hereditary breast ovarian cancer syndrome. Last evaluated: 2024-11-05. Review status: criteria provided, single submitter. Criteria: Invitae Variant Classification Sherloc (09022015). Collection method: clinical testing. Allele origin: germline.
Comment: This sequence change replaces glutamic acid, which is acidic and polar, with lysine, which is basic and polar, at codon 1352 of the BRCA1 protein (p.Glu1352Lys). This variant is present in population databases (rs80357202, gnomAD 0.005%). This missense change has been observed in individual(s) with hereditary breast and/or ovarian cancer (PMID: 17216544, 27062684, 30254663, 32438681, 32854451, 34178674). ClinVar contains an entry for this variant (Variation ID: 55089). Invitae Evidence Modeling of protein sequence and biophysical properties (such as structural, functional, and spatial information, amino acid conservation, physicochemical variation, residue mobility, and thermodynamic stability) indicates that this missense variant is not expected to disrupt BRCA1 protein function with a negative predictive value of 80%. Experimental studies have shown that this missense change does not substantially affect BRCA1 function (PMID: 23704879, 32546644). In summary, the available evidence is currently insufficient to determine the role of this variant in disease. Therefore, it has been classified as a Variant of Uncertain Significance.

Color Diagnostics, LLC DBA Color Health
Classification: Uncertain significance for Hereditary cancer-predisposing syndrome. Last evaluated: 2023-06-28. Review status: criteria provided, single submitter. Criteria: ACMG Guidelines, 2015. Collection method: clinical testing. Allele origin: germline.
Comment: This missense variant replaces glutamic acid with lysine at codon 1352 of the BRCA1 protein. Computational prediction suggests that this variant may not impact protein structure and function (internally defined REVEL score threshold <= 0.5, PMID: 27666373). Functional studies have been reported that this variant does not impact BRCA1 function in transcript activation assays and in a homology-directed DNA repair assay in mouse Brca1-deficient embryonic stem cells (PMID: 28781887, 29884841, 32546644). This variant has been reported in four individuals affected with breast or ovarian cancer (PMID: 19619314, 32438681, 32854451; the Leiden Open Variation Database-individual #00145597) and in at least three families affected with breast and ovarian cancer with segregation likelihood ratio of 3.49 in one family (PMID: 30254663, 31131967). This variant also has been detected in a breast cancer case-control meta-analysis in 1/60466 cases and 0/53461 unaffected individuals (PMID: 33471991; Leiden Open Variation Database DB-ID BRCA1_002200). This variant has been identified in 6/251066 chromosomes in the general population by the Genome Aggregation Database (gnomAD). The available evidence is insufficient to determine the role of this variant in disease conclusively. Therefore, this variant is classified as a Variant of Uncertain Significance.

University of Washington Department of Laboratory Medicine, University of Washington
Classification: Likely benign for Hereditary cancer-predisposing syndrome. Last evaluated: 2023-03-23. Review status: criteria provided, single submitter. Criteria: Dines et al. (Genet Med. 2020). Collection method: curation. Allele origin: germline.
Comment: Missense variant in a coldspot region where missense variants are very unlikely to be pathogenic (PMID:31911673).

BRCA1 coldspot (exon 11 using historical exon numbering). Reclassification based on statistical prior probability

Department of Medical and Surgical Sciences, University of Bologna
Classification: Benign for Breast-ovarian cancer, familial, susceptibility to, 1. Last evaluated: 2023-09-01. Review status: no assertion criteria provided. Collection method: clinical testing. Allele origin: germline. Affected: yes. Not counted in ClinVar's aggregate classification.
Comment: BS1(Supporting)+BS3(Strong)+BP5(Moderate) according to ACMG/AMP classification guidelines specified for BRCA1 & BRCA2 (Classification Criteria V1.0.0 2023-09-08) (PMID: 38160042)

Breast Cancer Information Core (BIC) (BRCA1)
Classification: Uncertain significance for Breast-ovarian cancer, familial 1. Last evaluated: 2004-11-25. Review status: no assertion criteria provided. Collection method: clinical testing. Allele origin: germline. Affected: yes. Observed: 2 variant alleles. Not counted in ClinVar's aggregate classification.

Diagnostic Laboratory, Department of Genetics, University Medical Center Groningen
Classification: Uncertain significance. Review status: no assertion criteria provided. Collection method: clinical testing. Allele origin: germline. Affected: yes. Study: VKGL Data-share Consensus. Not counted in ClinVar's aggregate classification.

Joint Genome Diagnostic Labs from Nijmegen and Maastricht, Radboudumc and MUMC+
Classification: Uncertain significance. Review status: no assertion criteria provided. Collection method: clinical testing. Allele origin: germline. Affected: yes. Study: VKGL Data-share Consensus. Not counted in ClinVar's aggregate classification.

Literature cited by the submitters: PubMed 30254663 (cited by 4 submitters); PubMed 28781887 (cited by 3 submitters); PubMed 27062684 (cited by 3 submitters); PubMed 32438681 (cited by 3 submitters); PubMed 31742824 (cited by Women's Health and Genetics/Laboratory Corporation of America, LabCorp); PubMed 32546644 (cited by 3 submitters); PubMed 32854451 (cited by 3 submitters); PubMed 17216544 (cited by Women's Health and Genetics/Laboratory Corporation of America, LabCorp and Labcorp Genetics (formerly Invitae), Labcorp); PubMed 19619314 (cited by Ambry Genetics and Color Diagnostics, LLC DBA Color Health); PubMed 30765603 (cited by Ambry Genetics); PubMed 34178674 (cited by Labcorp Genetics (formerly Invitae), Labcorp); PubMed 23704879 (cited by Labcorp Genetics (formerly Invitae), Labcorp); PubMed 29884841 (cited by Color Diagnostics, LLC DBA Color Health); PubMed 31131967 (cited by Color Diagnostics, LLC DBA Color Health); PubMed 33471991 (cited by Color Diagnostics, LLC DBA Color Health).

NM_007294.4(BRCA1):c.4054G>A (p.Glu1352Lys)

Genes: BRCA1 (BRCA1 DNA repair associated; minus strand), LOC126862571 (BRD4-independent group 4 enhancer GRCh37_chr17:41243136-41244335; plus strand). Cytogenetic location: 17q21.31.
Variant type: single nucleotide variant.
Coding change: c.4054G>A on transcript NM_007294.4 (MANE Select); coding-DNA position 4054, G replaced by A.
Protein change: p.Glu1352Lys; replaces glutamic acid 1352 with lysine.
Molecular consequence: missense variant. On other transcripts: intron variant (135).
Genome position (GRCh38, 1-based): chr17:43,091,477, C>T on the plus strand (G>A on the coding strand, the complement: BRCA1 is on the minus strand). VCF-style: chr17-43091477-C-T. GRCh37 (hg19) VCF-style: chr17-41243494-C-T.
Other names: c.3841G>A, p.Glu1281Lys (NM_001407571.1, NM_001407853.1, NM_001407894.1 and 9 more transcripts); c.4054G>A, p.Glu1352Lys (NM_001407581.1, NM_001407582.1, NM_001407602.1 and 30 more transcripts); c.4051G>A, p.Glu1351Lys (NM_001407610.1, NM_001407611.1, NM_001407612.1 and 22 more transcripts); c.4045G>A, p.Glu1349Lys (NM_001407646.1, NM_001407647.1); c.3931G>A, p.Glu1311Lys (NM_001407648.1, NM_001407664.1, NM_001407665.1 and 19 more transcripts); c.3928G>A, p.Glu1310Lys (NM_001407649.1, NM_001407670.1, NM_001407671.1 and 11 more transcripts); c.3976G>A, p.Glu1326Lys (NM_001407653.1, NM_001407654.1, NM_001407655.1 and 4 more transcripts); c.3973G>A, p.Glu1325Lys (NM_001407659.1, NM_001407660.1, NM_001407661.1 and 1 more transcripts); and 41 more; short protein forms E1352K, E1305K, E1184K, E1224K, E1241K, E1264K, E1304K, E1310K.
Identifiers: ClinVar variation 55089 (VCV000055089.29), dbSNP rs80357202, ClinGen allele CA002589.